The following is an entry in ClinVar:

ClinVar aggregate classification (germline): Uncertain significance (1 of 4 stars; one submission).

Submission:

GeneDx
Classification: Uncertain significance. Last evaluated: 2023-06-16. Review status: criteria provided, single submitter. Criteria: GeneDx Variant Classification Process June 2021. Collection method: clinical testing. Allele origin: germline. Affected: yes.
Comment: Not observed at significant frequency in large population cohorts (gnomAD); In silico analysis supports that this missense variant has a deleterious effect on protein structure/function; Has not been previously published as pathogenic or benign to our knowledge

NM_022552.5(DNMT3A):c.2411C>G (p.Pro804Arg)

Gene: DNMT3A (DNA methyltransferase 3 alpha; minus strand). Cytogenetic location: 2p23.3.
Variant type: single nucleotide variant.
Coding change: c.2411C>G on transcript NM_022552.5 (MANE Select); coding-DNA position 2411, C replaced by G.
Protein change: p.Pro804Arg; replaces proline 804 with arginine.
Molecular consequence: missense variant. On other transcripts: non-coding transcript variant (1).
Genome position (GRCh38, 1-based): chr2:25,237,003, G>C on the plus strand (C>G on the coding strand, the complement: DNMT3A is on the minus strand). VCF-style: chr2-25237003-G-C. GRCh37 (hg19) VCF-style: chr2-25459872-G-C.
Other names: c.1955C>G, p.Pro652Arg (NM_001320893.1); c.1742C>G, p.Pro581Arg (NM_001375819.1); c.1844C>G, p.Pro615Arg (NM_153759.3); c.2411C>G, p.Pro804Arg (NM_175629.2); short protein forms P581R, P615R, P652R, P804R.
Identifiers: ClinVar variation 3359943 (VCV003359943.1).
Genomic context (GRCh38, chr2:25,237,003, plus strand): 5'-ATCCTGCCATGCTCCAGACACTCCTGCAGCTCCAGCTTATCATTCACAGTGGATGCCAAC[G>C]GCCTAGGAGGCAGAAGAGAGACTGTAACAACAGAAACCTGGATAACAGCGGGAAGGGCCC-3'
Protein context (NP_072046.2, residues 794-814): FWGNLPGMNR[Pro804Arg]LASTVNDKLE